The following is an entry in ClinVar:

NM_001001557.4(GDF6):c.*1671C>T

Gene: GDF6 (growth differentiation factor 6; minus strand). Cytogenetic location: 8q22.1.
Variant type: single nucleotide variant.
Coding change: c.*1671C>T on transcript NM_001001557.4 (MANE Select); 1671 bases downstream of the stop codon, C replaced by T.
Molecular consequence: 3 prime UTR variant.
Genome position (GRCh38, 1-based): chr8:96,142,892, G>A on the plus strand (C>T on the coding strand, the complement: GDF6 is on the minus strand). VCF-style: chr8-96142892-G-A. GRCh37 (hg19) VCF-style: chr8-97155120-G-A.
Identifiers: ClinVar variation 364011 (VCV000364011.5), dbSNP rs191538930, ClinGen allele CA10631822.

ClinVar aggregate classification (germline): Benign (1 of 4 stars; one submission).

Conditions:
Klippel-Feil syndrome 1, autosomal dominant (KFS1). Also called: CERVICAL VERTEBRAL FUSION, AUTOSOMAL DOMINANT. Identifiers: Orphanet 2345, MedGen C1861689, MONDO:0007306, OMIM 118100.

Allele frequency attached by ClinVar (database versions not stated): 1000 Genomes Project 0.00040; 1000 Genomes Project 30x 0.00062; TOPMed 0.00141; gnomAD 0.00248 and 0.00261.

Submission:

Illumina Laboratory Services, Illumina
Classification: Benign for Klippel-Feil syndrome 1, autosomal dominant. Last evaluated: 2018-01-12. Review status: criteria provided, single submitter. Criteria: ICSL Variant Classification Criteria 13 December 2019. Collection method: clinical testing. Allele origin: germline.
Comment: This variant was observed in the ICSL laboratory as part of a predisposition screen in an ostensibly healthy population. It had not been previously curated by ICSL or reported in the Human Gene Mutation Database (HGMD: prior to June 1st, 2018), and was therefore a candidate for classification through an automated scoring system. Utilizing variant allele frequency, disease prevalence and penetrance estimates, and inheritance mode, an automated score was calculated to assess if this variant is too frequent to cause the disease. Based on the score and internal cut-off values, a variant classified as benign is not then subjected to further curation. The score for this variant resulted in a classification of benign for this disease.